The following is an entry in ClinVar:

ClinVar aggregate classification (germline): Uncertain significance (1 of 4 stars; one submission).

Conditions:
Aortic valve disease 2 (AOVD2). Identifiers: MedGen C3542024, MONDO:0013902, OMIM 614823.

Submission:

Labcorp Genetics (formerly Invitae), Labcorp
Classification: Uncertain significance for Aortic valve disease 2. Last evaluated: 2025-03-07. Review status: criteria provided, single submitter. Criteria: Invitae Variant Classification Sherloc (09022015). Collection method: clinical testing. Allele origin: germline.
Comment: This sequence change results in a frameshift in the SMAD6 gene (p.Leu309Serfs*230). While this is not anticipated to result in nonsense mediated decay, it is expected to disrupt the last 188 amino acid(s) of the SMAD6 protein and extend the protein by 41 additional amino acid residues. This variant is not present in population databases (gnomAD no frequency). This variant has not been reported in the literature in individuals affected with SMAD6-related conditions. Experimental studies and prediction algorithms are not available or were not evaluated, and the functional significance of this variant is currently unknown. In summary, the available evidence is currently insufficient to determine the role of this variant in disease. Therefore, it has been classified as a Variant of Uncertain Significance.

NM_005585.5(SMAD6):c.925del (p.Leu309fs)

Gene: SMAD6 (SMAD family member 6; plus strand). Cytogenetic location: 15q22.31.
Variant type: Deletion.
Coding change: c.925del on transcript NM_005585.5 (MANE Select); coding-DNA position 925, one base deleted (C; older notation c.925delC).
Protein change: p.Leu309fs; shifts the reading frame from leucine 309.
Molecular consequence: frameshift variant. On other transcripts: non-coding transcript variant (1).
Genome position (GRCh38, 1-based): chr15:66,716,471, C deleted; the last of 3 consecutive C bases (chr15:66,716,469-66,716,471); deleting any one gives the same sequence. VCF-style (leftmost placement, unchanged base first): chr15-66716468-TC-T. GRCh37 (hg19) VCF-style: chr15-67008806-TC-T.
Other names: short protein forms L309fs.
Identifiers: ClinVar variation 4714425 (VCV004714425.1).